The following is an entry in ClinVar:

ClinVar aggregate classification (germline): Likely benign (1 of 4 stars; one submission).

gnomAD v4.1: 3 of 1,172,934 alleles (0.00026%); highest among the groups gnomAD compares: South Asian, 0.0016%; no homozygotes.

Submission:

CeGaT Center for Human Genetics Tuebingen
Classification: Likely benign. Last evaluated: 2024-11-01. Review status: criteria provided, single submitter. Criteria: CeGaT Center For Human Genetics Tuebingen Variant Classification Criteria Version 2. Collection method: clinical testing. Allele origin: germline. Affected: yes. Observed: 1 variant allele.
Comment: ZNF865: BP4, BP7

NM_001195605.2(ZNF865):c.852G>A (p.Pro284=)

Gene: ZNF865 (zinc finger protein 865; plus strand). Cytogenetic location: 19q13.42.
Variant type: single nucleotide variant.
Coding change: c.852G>A on transcript NM_001195605.2 (MANE Select); coding-DNA position 852, G replaced by A.
Protein change: p.Pro284=; no amino-acid change (proline 284 retained).
Molecular consequence: synonymous variant.
Genome position (GRCh38, 1-based): chr19:55,614,470, G>A. VCF-style: chr19-55614470-G-A. GRCh37 (hg19) VCF-style: chr19-56125836-G-A.
Identifiers: ClinVar variation 3389151 (VCV003389151.14).